The following is an entry in ClinVar:

ClinVar aggregate classification (germline): Likely pathogenic (1 of 4 stars; one submission).

Conditions:
Hypophosphatasia. Also called: Phosphoethanol-aminuria. Identifiers: Orphanet 436, MedGen C0020630, MeSH D007014, MONDO:0018570.

Submission:

Genomenon, Inc
Classification: Likely pathogenic for Hypophosphatasia. Last evaluated: 2026-09-01. Review status: criteria provided, single submitter. Criteria: Genomenon Sequence Variant Interpretation Standards - Updated. Collection method: curation. Allele origin: germline. Affected: yes.
Comment: ALPL p.Met62Ile (c.186G>C) is a missense variant that changes the amino acid at codon 62 from Methionine to Isoleucine. This variant has been observed in at least one proband affected with an ALPL-related disorder (PMID:15671102). At least one functional study has demonstrated a substantial alteration in protein function relative to the wild-type (PMID:15671102). It is absent or not present at a significant frequency in gnomAD. In silico models predict that this variant is possibly or probably damaging. In conclusion, we classify ALPL p.Met62Ile (c.186G>C) as a likely pathogenic variant.

Literature cited by the submitters: PubMed 15671102.

NM_000478.6(ALPL):c.186G>C (p.Met62Ile)

Gene: ALPL (alkaline phosphatase, biomineralization associated; plus strand). Cytogenetic location: 1p36.12.
Variant type: single nucleotide variant.
Coding change: c.186G>C on transcript NM_000478.6 (MANE Select); coding-DNA position 186, G replaced by C.
Protein change: p.Met62Ile; replaces methionine 62 with isoleucine.
Molecular consequence: missense variant. On other transcripts: intron variant (1).
Genome position (GRCh38, 1-based): chr1:21,561,101, G>C. VCF-style: chr1-21561101-G-C. GRCh37 (hg19) VCF-style: chr1-21887594-G-C.
Other names: c.21G>C, p.Met7Ile (NM_001127501.4); c.186G>C, p.Met62Ile (NM_001369803.2, NM_001369804.2, NM_001369805.2); c.66+356G>C (NM_001177520.3); short protein forms M62I, M7I.
Identifiers: ClinVar variation 4086893 (VCV004086893.2).
Genomic context (GRCh38, chr1:21,561,101, plus strand): 5'-AGGCTGATTGGAGAGGCAGGAGCACGAGAGACTGAGGCCCCCACTCCCCACTGCAGGGAT[G>C]GGTGTCTCCACAGTGACGGCTGCCCGCATCCTCAAGGGTCAGCTCCACCACAACCCTGGG-3'
Protein context (NP_000469.3, residues 52-72): KNVIMFLGDG[Met62Ile]GVSTVTAARI